The following is an entry in ClinVar:

NM_001845.6(COL4A1):c.1875C>T (p.Gly625=)

Gene: COL4A1 (collagen type IV alpha 1 chain; minus strand). Cytogenetic location: 13q34.
Variant type: single nucleotide variant.
Coding change: c.1875C>T on transcript NM_001845.6 (MANE Select); coding-DNA position 1875, C replaced by T.
Protein change: p.Gly625=; no amino-acid change (glycine 625 retained).
Molecular consequence: synonymous variant.
Genome position (GRCh38, 1-based): chr13:110,186,407, G>A on the plus strand (C>T on the coding strand, the complement: COL4A1 is on the minus strand). VCF-style: chr13-110186407-G-A. GRCh37 (hg19) VCF-style: chr13-110838754-G-A.
Identifiers: ClinVar variation 2643942 (VCV002643942.24), dbSNP rs1252809727, ClinGen allele CA484790282.
Genomic context (GRCh38, chr13:110,186,407, plus strand): 5'-ACAACTTCATGCTGCATCACGAGTTTCTCAGGCCTCACCTGGCAGGCCTGGGGATCCAGG[G>A]CCTCCAGGAAAGCCTGCTTGTCCTTTGTCACCAATGGGACCAGCAGGACCATATCCTGGA-3'
Protein context (NP_001836.3, residues 615-635): GDKGQAGFPG[Gly625=]PGSPGLPGPK

ClinVar aggregate classification (germline): Likely benign (1 of 4 stars; one submission).

Allele frequency attached by ClinVar (database versions not stated): gnomAD exomes below 0.00001.
gnomAD v4.1: 3 of 1,613,344 alleles (0.00019%); highest among the groups gnomAD compares: South Asian, 0.0033%; no homozygotes.

Submission:

CeGaT Center for Human Genetics Tuebingen
Classification: Likely benign. Last evaluated: 2022-03-01. Review status: criteria provided, single submitter. Criteria: CeGaT Center For Human Genetics Tuebingen Variant Classification Criteria Version 2. Collection method: clinical testing. Allele origin: germline. Affected: yes. Observed: 1 variant allele.
Comment: COL4A1: PM2:Supporting, BP4, BP7